The following is an entry in ClinVar:

ClinVar aggregate classification (germline): Likely benign. Review status: criteria provided, multiple submitters, no conflicts (2 of 4 stars). 5 submissions from 5 submitters: Likely benign (5). Last evaluated 2026-01-19.

Conditions:
H syndrome. Also called: Histiocytosis with joint contractures and sensorineural deafness; Hyperpigmentation, Cutaneous, with Hypertrichosis, Hepatosplenomegaly, Heart Anomalies, Hearing Loss, and Hypogonadism; HISTIOCYTOSIS AND LYMPHADENOPATHY WITH OR WITHOUT CUTANEOUS, CARDIAC, AND/OR ENDOCRINE FEATURES, JOINT CONTRACTURES, AND/OR DEAFNESS; HYPERPIGMENTATION, CUTANEOUS, WITH HYPERTRICHOSIS, HEPATOSPLENOMEGALY, HEART ANOMALIES, AND HYPOGONADISM WITH OR WITHOUT HEARING LOSS; PIGMENTED HYPERTRICHOSIS WITH INSULIN-DEPENDENT DIABETES MELLITUS; ROSAI-DORFMAN DISEASE, FAMILIAL. Identifiers: Orphanet 168569, MedGen C1864445, MONDO:0011273, OMIM 602782.
SLC29A3-related disorder. Also called: SLC29A3-related condition.

Allele frequency attached by ClinVar (database versions not stated): gnomAD 0.00139 and 0.00149; TOPMed 0.00146; ESP Exome Variant Server 0.00161; 1000 Genomes Project 0.00180; 1000 Genomes Project 30x 0.00187.
gnomAD v4.1: 420 of 1,614,184 alleles (0.026%); highest among the groups gnomAD compares: African/African-American, 0.49%; 2 homozygotes.

Submissions (5):

Labcorp Genetics (formerly Invitae), Labcorp
Classification: Likely benign for H syndrome. Last evaluated: 2026-01-19. Review status: criteria provided, single submitter. Criteria: Invitae Variant Classification Sherloc (09022015). Collection method: clinical testing. Allele origin: germline.

PreventionGenetics, part of Exact Sciences
Classification: Likely benign for SLC29A3-related condition. Last evaluated: 2024-11-19. Review status: criteria provided, single submitter. Criteria: ACMG Guidelines, 2015. Collection method: clinical testing. Allele origin: germline.
Comment: This variant is classified as likely benign based on ACMG/AMP sequence variant interpretation guidelines (Richards et al. 2015 PMID: 25741868, with internal and published modifications).

Blueprint Genetics
Classification: Likely benign. Last evaluated: 2024-09-02. Review status: criteria provided, single submitter. Criteria: ACMG Guidelines, 2015. Collection method: clinical testing. Allele origin: germline.

Eurofins Ntd Llc (ga)
Classification: Likely benign. Last evaluated: 2016-05-04. Review status: criteria provided, single submitter. Criteria: EGL Classification Definitions 2015. Collection method: clinical testing. Allele origin: germline. Observed: 1 variant allele, 1 heterozygote.

Breakthrough Genomics
Classification: Likely benign. Review status: criteria provided, single submitter. Criteria: ACMG Guidelines, 2015. Collection method: not provided. Allele origin: germline. Inheritance: Autosomal recessive inheritance. Affected: yes.

NM_018344.6(SLC29A3):c.74G>A (p.Arg25Gln)

Gene: SLC29A3 (solute carrier family 29 member 3; plus strand). Cytogenetic location: 10q22.1.
Variant type: single nucleotide variant.
Coding change: c.74G>A on transcript NM_018344.6 (MANE Select); coding-DNA position 74, G replaced by A.
Protein change: p.Arg25Gln; replaces arginine 25 with glutamine.
Molecular consequence: missense variant. On other transcripts: 5 prime UTR variant (1), non-coding transcript variant (2).
Genome position (GRCh38, 1-based): chr10:71,322,828, G>A. VCF-style: chr10-71322828-G-A. GRCh37 (hg19) VCF-style: chr10-73082585-G-A.
Other names: c.74G>A, p.Arg25Gln (NM_001174098.2); c.-161G>A (NM_001363518.2); short protein forms R25Q.
Identifiers: ClinVar variation 287168 (VCV000287168.18), dbSNP rs138976786, ClinGen allele CA5542810.